The following is an entry in ClinVar:

NM_016169.4(SUFU):c.913A>T (p.Thr305Ser)

Gene: SUFU (SUFU negative regulator of hedgehog signaling; plus strand). Cytogenetic location: 10q24.32.
Variant type: single nucleotide variant.
Coding change: c.913A>T on transcript NM_016169.4 (MANE Select); coding-DNA position 913, A replaced by T.
Protein change: p.Thr305Ser; replaces threonine 305 with serine.
Molecular consequence: missense variant.
Genome position (GRCh38, 1-based): chr10:102,599,435, A>T. VCF-style: chr10-102599435-A-T. GRCh37 (hg19) VCF-style: chr10-104359192-A-T.
Other names: c.913A>T (NM_016169.3); c.913A>T, p.Thr305Ser (NM_001178133.2); short protein forms T305S.
Identifiers: ClinVar variation 1413362 (VCV001413362.7), dbSNP rs1590067989, ClinGen allele CA377910993.

ClinVar aggregate classification (germline): Uncertain significance. Review status: criteria provided, multiple submitters, no conflicts (2 of 4 stars). 2 submissions from 2 submitters: Uncertain significance (2). Last evaluated 2024-04-19.

Conditions:
Gorlin syndrome. Also called: Nevoid Basal Cell Carcinoma Syndrome; Basal cell nevus syndrome. Identifiers: Orphanet 377, MedGen C0004779, MONDO:0007187.
Medulloblastoma (MDB). Also called: MEDULLOBLASTOMA PREDISPOSITION SYNDROME; Medulloblastoma, somatic. Identifiers: Orphanet 616, MedGen C0025149, MeSH D008527, MONDO:0007959, OMIM 155255, HP:0002885.
Hereditary cancer-predisposing syndrome. Also called: Hereditary neoplastic syndrome; Neoplastic Syndromes, Hereditary; Hereditary Cancer Syndrome; Tumor predisposition. Identifiers: Orphanet 140162, MedGen C0027672, MeSH D009386, MONDO:0015356.

Submissions (2):

Ambry Genetics
Classification: Uncertain significance for Hereditary cancer-predisposing syndrome. Last evaluated: 2024-04-19. Review status: criteria provided, single submitter. Criteria: Ambry Variant Classification Scheme 2023. Collection method: clinical testing. Allele origin: germline.
Comment: The p.T305S variant (also known as c.913A>T), located in coding exon 8 of the SUFU gene, results from an A to T substitution at nucleotide position 913. The threonine at codon 305 is replaced by serine, an amino acid with similar properties. This amino acid position is conserved. In addition, this alteration is predicted to be tolerated by in silico analysis. Based on the available evidence, the clinical significance of this variant remains unclear.

Labcorp Genetics (formerly Invitae), Labcorp
Classification: Uncertain significance for Gorlin syndrome; Medulloblastoma. Last evaluated: 2021-08-26. Review status: criteria provided, single submitter. Criteria: Invitae Variant Classification Sherloc (09022015). Collection method: clinical testing. Allele origin: germline.
Comment: This variant has not been reported in the literature in individuals affected with SUFU-related conditions. This sequence change replaces threonine with serine at codon 305 of the SUFU protein (p.Thr305Ser). The threonine residue is highly conserved and there is a small physicochemical difference between threonine and serine. This variant is not present in population databases (ExAC no frequency). Algorithms developed to predict the effect of missense changes on protein structure and function (SIFT, PolyPhen-2, Align-GVGD) all suggest that this variant is likely to be tolerated. In summary, the available evidence is currently insufficient to determine the role of this variant in disease. Therefore, it has been classified as a Variant of Uncertain Significance.